The following is an entry in ClinVar:

NM_001127173.3(CADM3):c.770G>A (p.Arg257His)

Genes: CADM3 (cell adhesion molecule 3; plus strand), CADM3-AS1 (CADM3 antisense RNA 1; minus strand). Cytogenetic location: 1q23.2.
Variant type: single nucleotide variant.
Coding change: c.770G>A on transcript NM_001127173.3 (MANE Select); coding-DNA position 770, G replaced by A.
Protein change: p.Arg257His; replaces arginine 257 with histidine.
Molecular consequence: missense variant. On other transcripts: non-coding transcript variant (1).
Genome position (GRCh38, 1-based): chr1:159,196,442, G>A. VCF-style: chr1-159196442-G-A. GRCh37 (hg19) VCF-style: chr1-159166232-G-A.
Other names: c.632G>A, p.Arg211His (NM_001346510.2); c.872G>A, p.Arg291His (NM_021189.5); short protein forms R257H, R291H, R211H.
Identifiers: ClinVar variation 3826830 (VCV003826830.10).

ClinVar aggregate classification (germline): Conflicting classifications of pathogenicity. Review status: criteria provided, conflicting classifications (1 of 4 stars). 3 submissions from 3 submitters: Uncertain significance (2); Likely benign (1). Last evaluated 2026-04-13.

Conditions:
Inborn genetic diseases. Identifiers: MedGen C0950123, MeSH D030342.

gnomAD v4.1: 135 of 1,613,848 alleles (0.0084%); highest among the groups gnomAD compares: Middle Eastern, 0.05%; no homozygotes.

Submissions (3):

Women's Health and Genetics/Laboratory Corporation of America, LabCorp
Classification: Uncertain significance. Last evaluated: 2026-04-13. Review status: criteria provided, single submitter. Criteria: LabCorp Variant Classification Summary - May 2015. Collection method: clinical testing. Allele origin: germline.
Comment: Variant summary: CADM3 c.632G>A (p.Arg211His) results in a non-conservative amino acid change in the encoded protein sequence. Algorithms developed to predict the effect of missense changes on protein structure and function are either unavailable or do not agree on the potential impact of this missense change. The variant allele was found at a frequency of 8e-05 in 250934 control chromosomes. This frequency is not significantly higher than estimated for disease-causing variants in CADM3, allowing no conclusion about variant significance. To our knowledge, no occurrence of c.632G>A in individuals affected with CADM3-related conditions and no experimental evidence demonstrating its impact on protein function have been reported. ClinVar contains an entry for this variant (Variation ID: 3826830). Based on the evidence outlined above, the variant was classified as uncertain significance.

CeGaT Center for Human Genetics Tuebingen
Classification: Likely benign. Last evaluated: 2025-06-01. Review status: criteria provided, single submitter. Criteria: CeGaT Center For Human Genetics Tuebingen Variant Classification Criteria Version 2. Collection method: clinical testing. Allele origin: germline. Affected: yes. Observed: 1 variant allele.
Comment: CADM3: BP4, BS1

Ambry Genetics
Classification: Uncertain significance for Inborn genetic diseases. Last evaluated: 2025-02-11. Review status: criteria provided, single submitter. Criteria: Ambry Variant Classification Scheme 2023. Collection method: clinical testing. Allele origin: germline.